The following is an entry in ClinVar:

NM_000138.5(FBN1):c.1948C>T (p.Arg650Cys)

Gene: FBN1 (fibrillin 1; minus strand). Cytogenetic location: 15q21.1.
Variant type: single nucleotide variant.
Coding change: c.1948C>T on transcript NM_000138.5 (MANE Select); coding-DNA position 1948, C replaced by T.
Protein change: p.Arg650Cys; replaces arginine 650 with cysteine.
Molecular consequence: missense variant.
Genome position (GRCh38, 1-based): chr15:48,505,037, G>A on the plus strand (C>T on the coding strand, the complement: FBN1 is on the minus strand). VCF-style: chr15-48505037-G-A. GRCh37 (hg19) VCF-style: chr15-48797234-G-A.
Other names: short protein forms R650C.
Identifiers: ClinVar variation 36042 (VCV000036042.46), dbSNP rs193922185, ClinGen allele CA012686.

ClinVar aggregate classification (germline): Pathogenic/Likely pathogenic. Review status: criteria provided, multiple submitters, no conflicts (2 of 4 stars). 12 submissions from 12 submitters: Pathogenic (9); Likely pathogenic (2). 1 of the submissions does not count toward it. Last evaluated 2026-06-12.

Conditions:
Acromicric dysplasia (ACMICD). Also called: Acromicric skeletal dysplasia. Identifiers: Orphanet 969, MedGen C0265287, MONDO:0007055, OMIM 102370.
Marfan syndrome (MFS). Also called: FBN1-Related Marfan Syndrome; Marfan syndrome type 1; Marfan's syndrome; Marfan syndrome, classic; MARFAN SYNDROME, TYPE I. Identifiers: Orphanet 284963, Orphanet 558, MedGen C0024796, MONDO:0007947, OMIM 154700.
Progeroid and marfanoid aspect-lipodystrophy syndrome. Also called: MARFANOID-PROGEROID-LIPODYSTROPHY SYNDROME; MARFANOID-PROGEROID SYNDROME; MARFAN-PROGEROID-LIPODYSTROPHY SYNDROME; Marfan lipodystrophy syndrome. Identifiers: Orphanet 300382, MedGen C4310796, MONDO:0014831, OMIM 616914.
Stiff skin syndrome (SSKS). Identifiers: Orphanet 2833, MedGen C1861456, MONDO:0008492, OMIM 184900.
Geleophysic dysplasia 2 (GPHYSD2). Identifiers: Orphanet 2623, MedGen C3280054, MONDO:0013612, OMIM 614185.
Weill-Marchesani syndrome 2, dominant. Also called: Weill-Marchesani Syndrome, Autosomal Dominant; FBN1-Related Weill-Marchesani Syndrome. Identifiers: Orphanet 2084, MedGen C1869115, MONDO:0012013, OMIM 608328.
MASS syndrome (OCTD). Also called: OVERLAP CONNECTIVE TISSUE DISEASE; MASS PHENOTYPE. Identifiers: MedGen C1858556, MONDO:0011431, OMIM 604308.
Ectopia lentis 1, isolated, autosomal dominant (ECTOL1). Identifiers: Orphanet 1885, MedGen C3541518, MONDO:0007514, OMIM 129600.
Marfan Syndrome/Loeys-Dietz Syndrome/Familial Thoracic Aortic Aneurysms and Dissections. Identifiers: MedGen CN229799.
Familial thoracic aortic aneurysm and aortic dissection (TAAD). Also called: Thoracic aortic aneurysms and dissections. Identifiers: Orphanet 91387, MedGen C4707243, MONDO:0019625.

Allele frequency attached by ClinVar (database versions not stated): gnomAD exomes below 0.00001.

Submissions (12):

Women's Health and Genetics/Laboratory Corporation of America, LabCorp
Classification: Pathogenic for Marfan Syndrome/Loeys-Dietz Syndrome/Familial Thoracic Aortic Aneurysms and Dissections. Last evaluated: 2026-06-12. Review status: criteria provided, single submitter. Criteria: LabCorp Variant Classification Summary - May 2015. Collection method: clinical testing. Allele origin: germline.
Comment: Variant summary: FBN1 c.1948C>T (p.Arg650Cys) results in a non-conservative amino acid change in the encoded protein sequence. Algorithms developed to predict the effect of missense changes on protein structure and function all suggest that this variant is likely to be disruptive. The variant was absent in 251440 control chromosomes. c.1948C>T has been observed in individuals affected with clinical features of Marfan Syndrome (primarily ectopia lentis, with a lower risk for aortic dilation) (Zadeh_2011, Zhang_2015, Vatti_2017). These data indicate that the variant is very likely to be associated with disease. To our knowledge, no experimental evidence demonstrating an impact on protein function has been reported. The following publications have been ascertained in the context of this evaluation (PMID: 21932315, 25900864, 28941062). ClinVar contains an entry for this variant (Variation ID: 36042). Based on the evidence outlined above, the variant was classified as pathogenic.

Dasa
Classification: Pathogenic. Last evaluated: 2026-04-24. Review status: criteria provided, single submitter. Criteria: DASA Assertion Criteria. Collection method: clinical testing. Allele origin: germline.
Comment: NM_000138.5(FBN1):c.1948C>T (p.Arg650Cys) is a missense variant that results in the substitution of arginine with cysteine. The affected residue or protein region has prior evidence supporting clinical relevance. Segregation evidence has been reported in affected families. Functional evidence supports a deleterious effect on the gene or gene product (PMID: 21932315; PMID: 38190127; PMID: 36872713; PMID: 25900864; PMID: 33988295). This variant has been recurrently observed in individuals with related phenotype (PMID: 21932315; PMID: 38190127; PMID: 36872713; PMID: 25900864; PMID: 33988295). Multiple computational predictions support a deleterious effect on the gene or gene product. The variant is present at low frequency in population datasets. Based on the available data, this variant is classified as pathogenic.

Labcorp Genetics (formerly Invitae), Labcorp
Classification: Pathogenic for Marfan syndrome; Familial thoracic aortic aneurysm and aortic dissection. Last evaluated: 2026-01-21. Review status: criteria provided, single submitter. Criteria: Invitae Variant Classification Sherloc (09022015). Collection method: clinical testing. Allele origin: germline.
Comment: This sequence change replaces arginine, which is basic and polar, with cysteine, which is neutral and slightly polar, at codon 650 of the FBN1 protein (p.Arg650Cys). This variant is not present in population databases (gnomAD no frequency). This missense change has been observed in individuals with ectopia lentis (PMID: 21932315, 25900864). ClinVar contains an entry for this variant (Variation ID: 36042). Invitae Evidence Modeling of protein sequence and biophysical properties (such as structural, functional, and spatial information, amino acid conservation, physicochemical variation, residue mobility, and thermodynamic stability) indicates that this missense variant is expected to disrupt FBN1 protein function with a positive predictive value of 95%. For these reasons, this variant has been classified as Pathogenic.

Ambry Genetics
Classification: Pathogenic for Familial thoracic aortic aneurysm and aortic dissection. Last evaluated: 2025-10-22. Review status: criteria provided, single submitter. Criteria: Ambry Variant Classification Scheme 2023. Collection method: clinical testing. Allele origin: germline.
Comment: The c.1948C>T (p.R650C) alteration is located in exon 16 (coding exon 15) of the FBN1 gene. This alteration results from a C to T substitution at nucleotide position 1948, causing the arginine (R) at amino acid position 650 to be replaced by a cysteine (C). This variant was not reported in population-based cohorts in the Genome Aggregation Database (gnomAD). This variant was identified in one or more individuals with features consistent with Marfan syndrome and related fibrillinopathies (often associated with ectopia lentis) and segregated with disease in at least one family (Zadeh, 2011; Zhang, 2015; Inayat, 2016; Vatti, 2017; Ambry internal data). This amino acid position is highly conserved in available vertebrate species. The majority of FBN1 mutations identified to date have involved the substitution or generation of cysteine residues within cbEGF domains (Vollbrandt, 2004). This alteration is predicted to be deleterious by in silico analysis. Based on the available evidence, this alteration is classified as pathogenic.

GeneDx
Classification: Pathogenic. Last evaluated: 2024-09-30. Review status: criteria provided, single submitter. Criteria: GeneDx Variant Classification Process June 2021. Collection method: clinical testing. Allele origin: germline. Affected: yes.
Comment: Segregates with disease in affected individuals from several unrelated families in published literature (PMID: 25900864, 28941062); Introduces a new cysteine residue within a calcium-binding EGF-like domain of the FBN1 gene, which may affect disulfide bonding and is predicted to alter the structure and function of the protein; cysteine substitutions in the calcium-binding EGF-like domains represent the majority of pathogenic missense changes associated with FBN-related disorders (PMID: 12938084); In silico analysis supports that this missense variant has a deleterious effect on protein structure/function; Not observed at significant frequency in large population cohorts (gnomAD); This variant is associated with the following publications: (PMID: 27353645, 17701892, 15161917, 21932315, 25900864, 29376001, 16677079, 4750422, 33910934, 34550612, 34818515, 33844962, 36872713, 36729443, 28941062, 35058154, 34281902, 12938084, 38190127)

Mayo Clinic Laboratories, Mayo Clinic
Classification: Pathogenic. Last evaluated: 2023-12-22. Review status: criteria provided, single submitter. Criteria: ACMG Guidelines, 2015. Collection method: clinical testing. Allele origin: germline. Observed: 1 variant allele.
Comment: PP1, PP2, PP3, PP4, PM1, PM2, PS2, PS4

Centre of Medical Genetics, University of Antwerp
Classification: Likely pathogenic for Marfan syndrome. Last evaluated: 2021-03-01. Review status: criteria provided, single submitter. Criteria: Submitter's publication. Collection method: research. Allele origin: unknown. Affected: yes.
Comment: PM2, PS5, PP4

CHEO Genetics Diagnostic Laboratory, Children's Hospital of Eastern Ontario
Classification: Pathogenic for Familial thoracic aortic aneurysm and aortic dissection. Last evaluated: 2019-05-08. Review status: criteria provided, single submitter. Criteria: ACMG Guidelines, 2015. Collection method: clinical testing. Allele origin: germline.

Fulgent Genetics
Classification: Pathogenic for Acromicric dysplasia; Ectopia lentis 1, isolated, autosomal dominant; Marfan syndrome; Stiff skin syndrome; MASS syndrome; Weill-Marchesani syndrome 2, dominant; Geleophysic dysplasia 2; Progeroid and marfanoid aspect-lipodystrophy syndrome. Last evaluated: 2018-10-31. Review status: criteria provided, single submitter. Criteria: ACMG Guidelines, 2015. Collection method: clinical testing. Allele origin: unknown.

Clinical Genetics and Genomics, Karolinska University Hospital
Classification: Likely pathogenic. Last evaluated: 2017-02-23. Review status: criteria provided, single submitter. Criteria: ACMG Guidelines, 2015. Collection method: clinical testing. Allele origin: germline. Affected: yes. Observed: 1 variant allele.

ARUP Laboratories, Molecular Genetics and Genomics, ARUP Laboratories
Classification: Pathogenic. Last evaluated: 2016-09-19. Review status: criteria provided, single submitter. Criteria: ARUP Molecular Germline Variant Investigation Process. Collection method: clinical testing. Allele origin: germline.

Center for Medical Genetics Ghent, University of Ghent
Classification: Likely pathogenic for Marfan syndrome. Last evaluated: 2017-11-07. Review status: no assertion criteria provided. Collection method: clinical testing. Allele origin: germline. Affected: yes. Not counted in ClinVar's aggregate classification.

Literature cited by the submitters: PubMed 21932315 (cited by 5 submitters); PubMed 28941062 (cited by 3 submitters); PubMed 25900864 (cited by 5 submitters); PubMed 38190127 (cited by Dasa); PubMed 36872713 (cited by Dasa); PubMed 33988295 (cited by Dasa); PubMed 15161917 (cited by Ambry Genetics); PubMed 27382527 (cited by Ambry Genetics); PubMed 34281902 (cited by Mayo Clinic Laboratories, Mayo Clinic); PubMed 34550612 (cited by Mayo Clinic Laboratories, Mayo Clinic); PubMed 34818515 (cited by Mayo Clinic Laboratories, Mayo Clinic); PubMed 35058154 (cited by Mayo Clinic Laboratories, Mayo Clinic); PubMed 36729443 (cited by Mayo Clinic Laboratories, Mayo Clinic).